The following is an entry in ClinVar:

NM_025114.4(CEP290):c.5043_5044insT (p.Lys1682Ter)

Gene: CEP290 (centrosomal protein 290; minus strand). Cytogenetic location: 12q21.32.
Variant type: Insertion.
Coding change: c.5043_5044insT on transcript NM_025114.4 (MANE Select); coding-DNA positions 5043 to 5044, T inserted.
Protein change: p.Lys1682Ter; replaces lysine 1682 with a stop codon.
Molecular consequence: nonsense.
Genome position: GRCh38 VCF-style: chr12-88080364-T-TA. GRCh37 (hg19) VCF-style: chr12-88474141-T-TA.
Other names: short protein forms K1682*.
Identifiers: ClinVar variation 4064237 (VCV004064237.2).

ClinVar aggregate classification (germline): Likely pathogenic (1 of 4 stars; one submission).

Conditions:
Leber congenital amaurosis (LCA). Also called: Leber's amaurosis. Identifiers: Orphanet 65, MedGen C0339527, MeSH D057130, MONDO:0018998.

Submission:

Natera, Inc.
Classification: Likely pathogenic for Leber congenital amaurosis. Last evaluated: 2025-05-04. Review status: criteria provided, single submitter. Criteria: Natera Variant Classification Schema (03/2026). Collection method: clinical testing. Allele origin: germline.
Comment: The c.5043_5044insT variant in CEP290 is a frameshift variant predicted to shift the reading frame and introduce a stop codon. This variant is expected to result in nonsense mediated decay, truncation, or a dysfunctional protein product. This variant is rare in the general population with a frequency below the threshold expected for the associated phenotype(s). Given the available evidence, this variant is classified as Likely Pathogenic.